The following is an entry in ClinVar:

NM_001252024.2(TRPM1):c.3788A>T (p.Asp1263Val)

Gene: TRPM1 (transient receptor potential cation channel subfamily M member 1; minus strand). Cytogenetic location: 15q13.3.
Variant type: single nucleotide variant.
Coding change: c.3788A>T on transcript NM_001252024.2 (MANE Select); coding-DNA position 3788, A replaced by T.
Protein change: p.Asp1263Val; replaces aspartic acid 1263 with valine.
Molecular consequence: missense variant.
Genome position (GRCh38, 1-based): chr15:31,002,912, T>A on the plus strand (A>T on the coding strand, the complement: TRPM1 is on the minus strand). VCF-style: chr15-31002912-T-A. GRCh37 (hg19) VCF-style: chr15-31295115-T-A.
Other names: c.3839A>T, p.Asp1280Val (NM_001252020.2); c.3722A>T, p.Asp1241Val (NM_002420.6); short protein forms D1241V, D1263V, D1280V.
Identifiers: ClinVar variation 1350740 (VCV001350740.6), dbSNP rs2141100590, ClinGen allele CA391531294.

ClinVar aggregate classification (germline): Uncertain significance (1 of 4 stars; one submission).

Submission:

Labcorp Genetics (formerly Invitae), Labcorp
Classification: Uncertain significance. Last evaluated: 2022-08-16. Review status: criteria provided, single submitter. Criteria: Invitae Variant Classification Sherloc (09022015). Collection method: clinical testing. Allele origin: germline.
Comment: In summary, the available evidence is currently insufficient to determine the role of this variant in disease. Therefore, it has been classified as a Variant of Uncertain Significance. Algorithms developed to predict the effect of missense changes on protein structure and function are either unavailable or do not agree on the potential impact of this missense change (SIFT: "Deleterious"; PolyPhen-2: "Benign"; Align-GVGD: "Class C15"). ClinVar contains an entry for this variant (Variation ID: 1350740). This variant has not been reported in the literature in individuals affected with TRPM1-related conditions. This variant is not present in population databases (gnomAD no frequency). This sequence change replaces aspartic acid, which is acidic and polar, with valine, which is neutral and non-polar, at codon 1241 of the TRPM1 protein (p.Asp1241Val).